The following is an entry in ClinVar:

ClinVar aggregate classification (germline): Uncertain significance (1 of 4 stars; one submission).

Conditions:
Biotinidase deficiency. Also called: BTD deficiency; Late-onset biotin-responsive multiple carboxylase deficiency; Biotin deficiency. Identifiers: Orphanet 79241, MedGen C0220754, MONDO:0009665, OMIM 253260.

Allele frequency attached by ClinVar (database versions not stated): gnomAD 0.00001; gnomAD exomes 0.00001; TOPMed 0.00001.
gnomAD v4.1: 12 of 1,614,084 alleles (0.00074%); highest among the groups gnomAD compares: Non-Finnish European, 0.001%; no homozygotes.

Submission:

Labcorp Genetics (formerly Invitae), Labcorp
Classification: Uncertain significance for Biotinidase deficiency. Last evaluated: 2025-12-10. Review status: criteria provided, single submitter. Criteria: Invitae Variant Classification Sherloc (09022015). Collection method: clinical testing. Allele origin: germline.
Comment: This sequence change replaces glycine, which is neutral and non-polar, with valine, which is neutral and non-polar, at codon 465 of the BTD protein (p.Gly465Val). This variant is not present in population databases (gnomAD no frequency). This variant has not been reported in the literature in individuals affected with BTD-related conditions. ClinVar contains an entry for this variant (Variation ID: 641268). Invitae Evidence Modeling of protein sequence and biophysical properties (such as structural, functional, and spatial information, amino acid conservation, physicochemical variation, residue mobility, and thermodynamic stability) indicates that this missense variant is expected to disrupt BTD protein function with a positive predictive value of 95%. In summary, the available evidence is currently insufficient to determine the role of this variant in disease. Therefore, it has been classified as a Variant of Uncertain Significance.

NM_001370658.1(BTD):c.1334G>T (p.Gly445Val)

Gene: BTD (biotinidase; plus strand). Cytogenetic location: 3p25.1.
Variant type: single nucleotide variant.
Coding change: c.1334G>T on transcript NM_001370658.1 (MANE Select); coding-DNA position 1334, G replaced by T.
Protein change: p.Gly445Val; replaces glycine 445 with valine.
Molecular consequence: missense variant. On other transcripts: intron variant (8).
Genome position (GRCh38, 1-based): chr3:15,645,250, G>T. VCF-style: chr3-15645250-G-T. GRCh37 (hg19) VCF-style: chr3-15686757-G-T.
Other names: c.1334G>T, p.Gly445Val (NM_001407368.1, NM_001407369.1, NM_001407370.1 and 16 more transcripts); c.1015+319G>T (NM_001370752.1, NM_001407379.1); c.399+3193G>T (NM_001370753.1, NM_001407400.1, NM_001407380.1 and 3 more transcripts); short protein forms G445V.
Identifiers: ClinVar variation 641268 (VCV000641268.10), dbSNP rs1223614917, ClinGen allele CA351608753.